The following is an entry in ClinVar:

ClinVar aggregate classification (germline): not provided (0 of 4 stars; one submission).

Conditions:
Familial long QT syndrome (RWS). Also called: Congenital long QT syndrome; Romano-Ward syndrome; VENTRICULAR FIBRILLATION WITH PROLONGED QT INTERVAL. Identifiers: Orphanet 768, MedGen C1141890, MONDO:0019171.

Submission:

Cardiovascular Biomedical Research Unit, Royal Brompton & Harefield NHS Foundation Trust
No classification provided. Condition: Familial long QT syndrome. Review status: no classification provided. Collection method: literature only. Allele origin: germline.
Comment: This variant has been reported as associated with Long QT syndrome in the following publications (PMID:18441445;PMID:20975234). This is a literature report, and does not necessarily reflect the clinical interpretation of the Imperial College / Royal Brompton Cardiovascular Genetics laboratory.

Literature cited by the submitters: PubMed 18441445; PubMed 20975234; PubMed 22581653.

NM_000238.4(KCNH2):c.2536C>A (p.Pro846Thr)

Gene: KCNH2 (potassium voltage-gated channel subfamily H member 2; minus strand). Cytogenetic location: 7q36.1.
Variant type: single nucleotide variant.
Coding change: c.2536C>A on transcript NM_000238.4 (MANE Select); coding-DNA position 2536, C replaced by A.
Protein change: p.Pro846Thr; replaces proline 846 with threonine.
Molecular consequence: missense variant.
Genome position (GRCh38, 1-based): chr7:150,948,912, G>T on the plus strand (C>A on the coding strand, the complement: KCNH2 is on the minus strand). VCF-style: chr7-150948912-G-T. GRCh37 (hg19) VCF-style: chr7-150646000-G-T.
Other names: c.2536C>A (LRG_288t1); c.1516C>A, p.Pro506Thr (NM_172057.3); short protein forms P506T, P846T.
Identifiers: ClinVar variation 67408 (VCV000067408.1), dbSNP rs199473006, ClinGen allele CA006897.
Genomic context (GRCh38, chr7:150,948,912, plus strand): 5'-TCACATCTCGCAGGTTGAAGGTGATCTCCAGGCTGGACCAGAAGTGGTCGGAGAACTCAG[G>T]GTACATGTCCAGCACCTCCAGCAGGTCGTCCCGATGGATCTTGTGTAGGTCACAGTAGGT-3'
Protein context (NP_000229.1, residues 836-856): DDLLEVLDMY[Pro846Thr]EFSDHFWSSL